The following is an entry in ClinVar:

ClinVar aggregate classification (germline): Pathogenic (1 of 4 stars; one submission).

Conditions:
Autosomal recessive nonsyndromic hearing loss 3. Also called: NEUROSENSORY NONSYNDROMIC RECESSIVE DEAFNESS 3. Identifiers: Orphanet 90636, MedGen C1838263, MONDO:0010860, OMIM 600316.

Submission:

Institute of Rare Diseases, West China Hospital, Sichuan University
Classification: Pathogenic for Autosomal recessive nonsyndromic hearing loss 3. Last evaluated: 2025-01-09. Review status: criteria provided, single submitter. Criteria: ClinGen HL ACMG Specifications v1. Collection method: research. Allele origin: germline. Affected: yes.
Comment: PVS1;PM3;PM2_Supporting

NM_016239.4(MYO15A):c.2482C>T (p.Arg828Ter)

Gene: MYO15A (myosin XVA; plus strand). Cytogenetic location: 17p11.2.
Variant type: single nucleotide variant.
Coding change: c.2482C>T on transcript NM_016239.4 (MANE Select); coding-DNA position 2482, C replaced by T.
Protein change: p.Arg828Ter; replaces arginine 828 with a stop codon.
Molecular consequence: nonsense.
Genome position (GRCh38, 1-based): chr17:18,121,282, C>T. VCF-style: chr17-18121282-C-T. GRCh37 (hg19) VCF-style: chr17-18024596-C-T.
Other names: short protein forms R828*.
Identifiers: ClinVar variation 3601311 (VCV003601311.1).
Genomic context (GRCh38, chr17:18,121,282, plus strand): 5'-CCGCCCTTCCTGCCCCCGGCCCGCCGGCCCCGCTCGCTGCAGGAGTCCCCAGCCCCACGC[C>T]GAGCCGCTGGGCGCCTGGGCCCACCCGGCTCGCCGCTGCCGGGCTCACCCAGGCCGCCCT-3'